The following is an entry in ClinVar:

NM_018979.4(WNK1):c.5057G>A (p.Ser1686Asn)

Gene: WNK1 (WNK lysine deficient protein kinase 1; plus strand). Cytogenetic location: 12p13.33.
Variant type: single nucleotide variant.
Coding change: c.5057G>A on transcript NM_018979.4 (MANE Select); coding-DNA position 5057, G replaced by A.
Protein change: p.Ser1686Asn; replaces serine 1686 with asparagine.
Molecular consequence: missense variant.
Genome position (GRCh38, 1-based): chr12:885,861, G>A. VCF-style: chr12-885861-G-A. GRCh37 (hg19) VCF-style: chr12-995027-G-A.
Other names: c.5837G>A, p.Ser1946Asn (NM_001184985.2); c.4316G>A, p.Ser1439Asn (NM_014823.3); c.5813G>A, p.Ser1938Asn (NM_213655.5); short protein forms S1439N, S1938N, S1946N, S1686N.
Identifiers: ClinVar variation 1521882 (VCV001521882.9), dbSNP rs773910482, ClinGen allele CA6383060.

ClinVar aggregate classification (germline): Uncertain significance. Review status: criteria provided, multiple submitters, no conflicts (2 of 4 stars). 2 submissions from 2 submitters: Uncertain significance (2). Last evaluated 2021-10-28.

Conditions:
Neuropathy, hereditary sensory and autonomic, type 2A (HSAN2A). Also called: HSAN IIA; ACROOSTEOLYSIS, GIACCAI TYPE; ACROOSTEOLYSIS, NEUROGENIC; MORVAN DISEASE; NEUROPATHY, CONGENITAL SENSORY; NEUROPATHY, HEREDITARY SENSORY RADICULAR, AUTOSOMAL RECESSIVE. Identifiers: Orphanet 970, MedGen C2752089, MONDO:0024309, OMIM 201300.
Pseudohypoaldosteronism type 2C (PHA2C). Also called: Pseudohypoaldosteronism Type IIC. Identifiers: Orphanet 757, Orphanet 88940, MedGen C1840391, MONDO:0013778, OMIM 614492.

Allele frequency attached by ClinVar (database versions not stated): gnomAD 0.00001; gnomAD exomes 0.00001; TOPMed 0.00001; ExAC 0.00002.
gnomAD v4.1: 22 of 1,613,762 alleles (0.0014%); highest among the groups gnomAD compares: Non-Finnish European, 0.0019%; no homozygotes.

Submissions (2):

Fulgent Genetics
Classification: Uncertain significance for Neuropathy, hereditary sensory and autonomic, type 2A; Pseudohypoaldosteronism type 2C. Last evaluated: 2021-10-28. Review status: criteria provided, single submitter. Criteria: ACMG Guidelines, 2015. Collection method: clinical testing. Allele origin: unknown.

Labcorp Genetics (formerly Invitae), Labcorp
Classification: Uncertain significance for Neuropathy, hereditary sensory and autonomic, type 2A; Pseudohypoaldosteronism type 2C. Last evaluated: 2021-05-11. Review status: criteria provided, single submitter. Criteria: Invitae Variant Classification Sherloc (09022015). Collection method: clinical testing. Allele origin: germline.
Comment: This variant has not been reported in the literature in individuals with WNK1-related conditions. In summary, the available evidence is currently insufficient to determine the role of this variant in disease. Therefore, it has been classified as a Variant of Uncertain Significance. Advanced modeling of protein sequence and biophysical properties (such as structural, functional, and spatial information, amino acid conservation, physicochemical variation, residue mobility, and thermodynamic stability) performed at Invitae indicates that this missense variant is not expected to disrupt WNK1 protein function. This variant is present in population databases (rs773910482, ExAC 0.003%). This sequence change replaces serine with asparagine at codon 1938 of the WNK1 protein (p.Ser1938Asn). The serine residue is weakly conserved and there is a small physicochemical difference between serine and asparagine.